The following is an entry in ClinVar:

NM_000388.4(CASR):c.1426C>A (p.Gln476Lys)

Gene: CASR (calcium sensing receptor; plus strand). Cytogenetic location: 3q21.1.
Variant type: single nucleotide variant.
Coding change: c.1426C>A on transcript NM_000388.4 (MANE Select); coding-DNA position 1426, C replaced by A.
Protein change: p.Gln476Lys; replaces glutamine 476 with lysine.
Molecular consequence: missense variant.
Genome position (GRCh38, 1-based): chr3:122,275,860, C>A. VCF-style: chr3-122275860-C-A. GRCh37 (hg19) VCF-style: chr3-121994707-C-A.
Other names: c.1426C>A, p.Gln476Lys (NM_001178065.2); short protein forms Q476K.
Identifiers: ClinVar variation 1772374 (VCV001772374.2), dbSNP rs2473257627, ClinGen allele CA354154967.
Genomic context (GRCh38, chr3:122,275,860, plus strand): 5'-GCTCCTCTTTAGGTCCTGAAGCACCTACGGCATCTAAACTTTACAAACAATATGGGGGAG[C>A]AGGTGACCTTTGATGAGTGTGGTGACCTGGTGGGGAACTATTCCATCATCAACTGGCACC-3'
Protein context (NP_000379.3, residues 466-486): HLNFTNNMGE[Gln476Lys]VTFDECGDLV

ClinVar aggregate classification (germline): Uncertain significance (1 of 4 stars; one submission).

Conditions:
Nephrolithiasis/nephrocalcinosis. Identifiers: MedGen CN580796.

gnomAD v4.1: 9 of 1,614,142 alleles (0.00056%); highest among the groups gnomAD compares: South Asian, 0.0022%; no homozygotes.

Submission:

Ambry Genetics
Classification: Uncertain significance for Nephrolithiasis/nephrocalcinosis. Last evaluated: 2022-08-24. Review status: criteria provided, single submitter. Criteria: Ambry Variant Classification Scheme 2023. Collection method: clinical testing. Allele origin: germline.
Comment: The p.Q476K variant (also known as c.1426C>A), located in coding exon 4 of the CASR gene, results from a C to A substitution at nucleotide position 1426. The glutamine at codon 476 is replaced by lysine, an amino acid with similar properties. This amino acid position is conserved. In addition, this alteration is predicted to be tolerated by in silico analysis. Since supporting evidence is limited at this time, the clinical significance of this alteration remains unclear.